The following is an entry in ClinVar:

ClinVar aggregate classification (germline): Pathogenic/Likely pathogenic. Review status: criteria provided, multiple submitters, no conflicts (2 of 4 stars). 2 submissions from 2 submitters: Pathogenic (1); Likely pathogenic (1). Last evaluated 2026-01-20.

Conditions:
Familial dysautonomia. Also called: FD; HSAN III. Identifiers: Orphanet 1764, MedGen C0013364, MONDO:0009131, OMIM 223900. Disease mechanism: loss of function.

Submissions (2):

Natera, Inc.
Classification: Likely pathogenic for Familial dysautonomia. Last evaluated: 2026-01-20. Review status: criteria provided, single submitter. Criteria: Natera Variant Classification Schema (03/2026). Collection method: clinical testing. Allele origin: germline.
Comment: The c.1465C>T variant in ELP1 is a nonsense variant predicted to introduce a stop codon at amino acid 489. This variant is expected to result in nonsense mediated decay, truncation, or a dysfunctional protein product. This variant is rare in the general population with a frequency below the threshold expected for the associated phenotype(s). Given the available evidence, this variant is classified as Likely Pathogenic.

Labcorp Genetics (formerly Invitae), Labcorp
Classification: Pathogenic. Last evaluated: 2023-06-24. Review status: criteria provided, single submitter. Criteria: Invitae Variant Classification Sherloc (09022015). Collection method: clinical testing. Allele origin: germline.
Comment: This sequence change creates a premature translational stop signal (p.Gln489*) in the ELP1 gene. It is expected to result in an absent or disrupted protein product. Loss-of-function variants in ELP1 are known to be pathogenic (PMID: 18303054, 24173031). This variant is not present in population databases (gnomAD no frequency). This variant has not been reported in the literature in individuals affected with ELP1-related conditions. For these reasons, this variant has been classified as Pathogenic.

Literature cited by the submitters: PubMed 18303054 (cited by Labcorp Genetics (formerly Invitae), Labcorp); PubMed 24173031 (cited by Labcorp Genetics (formerly Invitae), Labcorp).

NM_003640.5(ELP1):c.1465C>T (p.Gln489Ter)

Gene: ELP1 (elongator acetyltransferase complex subunit 1; minus strand). Cytogenetic location: 9q31.3.
Variant type: single nucleotide variant.
Coding change: c.1465C>T on transcript NM_003640.5 (MANE Select); coding-DNA position 1465, C replaced by T.
Protein change: p.Gln489Ter; replaces glutamine 489 with a stop codon.
Molecular consequence: nonsense.
Genome position (GRCh38, 1-based): chr9:108,906,481, G>A on the plus strand (C>T on the coding strand, the complement: ELP1 is on the minus strand). VCF-style: chr9-108906481-G-A. GRCh37 (hg19) VCF-style: chr9-111668761-G-A.
Other names: c.1465C>T (NM_003640.4); c.1123C>T, p.Gln375Ter (NM_001318360.2); c.418C>T, p.Gln140Ter (NM_001330749.2); short protein forms Q489*, Q140*, Q375*.
Identifiers: ClinVar variation 2839276 (VCV002839276.4), dbSNP rs2132003711, ClinGen allele CA374427739.
Genomic context (GRCh38, chr9:108,906,481, plus strand): 5'-TCCAAGTGAGAAGGCCTAGTTTCAGCGGGTTTACATCTTGATCTTCATTATTCTCAAACT[G>A]GATTCTATTGTAAATATTGAAGAATATCCAAGACATGAATAAAACTTAAAAACCACTGAG-3'